The following is an entry in ClinVar:

NM_198129.4(LAMA3):c.2937C>T (p.Ser979=)

Gene: LAMA3 (laminin subunit alpha 3; plus strand). Cytogenetic location: 18q11.2.
Variant type: single nucleotide variant.
Coding change: c.2937C>T on transcript NM_198129.4 (MANE Select); coding-DNA position 2937, C replaced by T.
Protein change: p.Ser979=; no amino-acid change (serine 979 retained).
Molecular consequence: synonymous variant.
Genome position (GRCh38, 1-based): chr18:23,833,941, C>T. VCF-style: chr18-23833941-C-T. GRCh37 (hg19) VCF-style: chr18-21413905-C-T.
Other names: c.2937C>T, p.Ser979= (NM_001127717.4).
Identifiers: ClinVar variation 777276 (VCV000777276.7), dbSNP rs148470606, ClinGen allele CA8915099.

ClinVar aggregate classification (germline): Likely benign. Review status: criteria provided, single submitter (1 of 4 stars). 2 submissions from 2 submitters: Likely benign (1). 1 of the submissions does not count toward it. Last evaluated 2017-06-07.

Conditions:
LAMA3-related disorder. Also called: LAMA3-related disorders; LAMA3-related condition.

Allele frequency attached by ClinVar (database versions not stated): gnomAD exomes 0.00007 and 0.00009; 1000 Genomes Project 30x 0.00016; 1000 Genomes Project 0.00020; gnomAD 0.00011; ESP Exome Variant Server 0.00016; ExAC 0.00005; TOPMed 0.00009.
gnomAD v4.1: 151 of 1,614,164 alleles (0.0094%); highest among the groups gnomAD compares: African/African-American, 0.017%; no homozygotes.

Submissions (2):

Labcorp Genetics (formerly Invitae), Labcorp
Classification: Likely benign. Last evaluated: 2017-06-07. Review status: criteria provided, single submitter. Criteria: Invitae Variant Classification Sherloc (09022015). Collection method: clinical testing. Allele origin: germline.

PreventionGenetics, part of Exact Sciences
Classification: Likely benign for LAMA3-related condition. Last evaluated: 2022-10-26. Review status: no assertion criteria provided. Collection method: clinical testing. Allele origin: germline. Not counted in ClinVar's aggregate classification.
Comment: This variant is classified as likely benign based on ACMG/AMP sequence variant interpretation guidelines (Richards et al. 2015 PMID: 25741868, with internal and published modifications).